The following is an entry in ClinVar:

NM_138773.4(SLC25A46):c.462+10T>C

Gene: SLC25A46 (solute carrier family 25 member 46; plus strand). Cytogenetic location: 5q22.1.
Variant type: single nucleotide variant.
Coding change: c.462+10T>C on transcript NM_138773.4 (MANE Select); 10 bases into the intron after coding-DNA position 462, T replaced by C.
Molecular consequence: intron variant.
Genome position (GRCh38, 1-based): chr5:110,746,356, T>C. VCF-style: chr5-110746356-T-C. GRCh37 (hg19) VCF-style: chr5-110082057-T-C.
Other names: c.462+10T>C (NM_138773.3, NM_001303249.3); c.189+10T>C (NM_001303250.3).
Identifiers: ClinVar variation 757815 (VCV000757815.10), dbSNP rs1580858938, ClinGen allele CA915943509.
Genomic context (GRCh38, chr5:110,746,356, plus strand): 5'-CTCACTCCATTTACAGTCATCAATATTATGTACAGTTTCAACAAAACTCAGGTGAGAATT[T>C]TGTCTGGATTCTATTAAAGGTTTATATAAGTGTCATTTGGGTTTAGTAATCATTAAAGCA-3'

ClinVar aggregate classification (germline): Likely benign. Review status: criteria provided, multiple submitters, no conflicts (2 of 4 stars). 2 submissions from 2 submitters: Likely benign (2). Last evaluated 2025-10-13.

Conditions:
Neuropathy, hereditary motor and sensory, type 6B (HMSN6B). Also called: HMSN VIB; CHARCOT-MARIE-TOOTH DISEASE, TYPE 6B; NEUROPATHY, HEREDITARY MOTOR AND SENSORY, TYPE VIB, WITH OPTIC ATROPHY; Neuropathy, hereditary motor and sensory, type VIB. Identifiers: MedGen C4225302, MONDO:0014671, OMIM 616505.
SLC25A46-related disorder. Also called: SLC25A46-related condition.

Allele frequency attached by ClinVar (database versions not stated): TOPMed 0.00001.

Submissions (2):

PreventionGenetics, part of Exact Sciences
Classification: Likely benign for SLC25A46-related condition. Last evaluated: 2025-10-13. Review status: criteria provided, single submitter. Criteria: ACMG Guidelines, 2015. Collection method: clinical testing. Allele origin: germline.
Comment: This variant is classified as likely benign based on ACMG/AMP sequence variant interpretation guidelines (Richards et al. 2015 PMID: 25741868, with internal and published modifications).

Labcorp Genetics (formerly Invitae), Labcorp
Classification: Likely benign for Neuropathy, hereditary motor and sensory, type 6B. Last evaluated: 2018-04-08. Review status: criteria provided, single submitter. Criteria: Invitae Variant Classification Sherloc (09022015). Collection method: clinical testing. Allele origin: germline.